The following is an entry in ClinVar:

NM_005502.4(ABCA1):c.4559+5C>A

Gene: ABCA1 (ATP binding cassette subfamily A member 1; minus strand). Cytogenetic location: 9q31.1.
Variant type: single nucleotide variant.
Coding change: c.4559+5C>A on transcript NM_005502.4 (MANE Select); 5 bases into the intron after coding-DNA position 4559, C replaced by A.
Molecular consequence: intron variant.
Genome position (GRCh38, 1-based): chr9:104,804,621, G>T on the plus strand (C>A on the coding strand, the complement: ABCA1 is on the minus strand). VCF-style: chr9-104804621-G-T. GRCh37 (hg19) VCF-style: chr9-107566902-G-T.
Identifiers: ClinVar variation 3709072 (VCV003709072.8).

ClinVar aggregate classification (germline): Likely benign. Review status: criteria provided, multiple submitters, no conflicts (2 of 4 stars). 3 submissions from 3 submitters: Likely benign (3). Last evaluated 2025-12-01.

gnomAD v4.1: 56 of 1,613,454 alleles (0.0035%); highest among the groups gnomAD compares: South Asian, 0.053%; 1 homozygote.

Submissions (3):

CeGaT Center for Human Genetics Tuebingen
Classification: Likely benign. Last evaluated: 2025-12-01. Review status: criteria provided, single submitter. Criteria: CeGaT Center For Human Genetics Tuebingen Variant Classification Criteria Version 2. Collection method: clinical testing. Allele origin: germline. Affected: yes. Observed: 1 variant allele.
Comment: ABCA1: BP4, BS2

Labcorp Genetics (formerly Invitae), Labcorp
Classification: Likely benign. Last evaluated: 2025-03-26. Review status: criteria provided, single submitter. Criteria: Invitae Variant Classification Sherloc (09022015). Collection method: clinical testing. Allele origin: germline.

Blueprint Genetics
Classification: Likely benign. Last evaluated: 2024-03-28. Review status: criteria provided, single submitter. Criteria: ACMG Guidelines, 2015. Collection method: clinical testing. Allele origin: germline.